The following is an entry in ClinVar:

NM_000093.5(COL5A1):c.925-11T>G

Gene: COL5A1 (collagen type V alpha 1 chain; plus strand). Cytogenetic location: 9q34.3.
Variant type: single nucleotide variant.
Coding change: c.925-11T>G on transcript NM_000093.5 (MANE Select); 11 bases into the intron before coding-DNA position 925, T replaced by G.
Molecular consequence: intron variant.
Genome position (GRCh38, 1-based): chr9:134,730,225, T>G. VCF-style: chr9-134730225-T-G. GRCh37 (hg19) VCF-style: chr9-137622071-T-G.
Other names: c.925-11T>G (NM_001278074.1).
Identifiers: ClinVar variation 2817842 (VCV002817842.3), dbSNP rs2490500466, ClinGen allele CA2692453013.
Genomic context (GRCh38, chr9:134,730,225, plus strand): 5'-GGCAAGTCCCAGACCTGGCACCACTGCCGGCCTCCGCCCTGACTCCAGCTGTCTCTGTCC[T>G]TGGCTCCCAGGAGCTGACCCCGACCCCCACGGAAGCTGCTCCCATGCCTGAAACCAGTGA-3'

ClinVar aggregate classification (germline): Uncertain significance (1 of 4 stars; one submission).

Conditions:
Ehlers-Danlos syndrome, classic type, 1 (EDSCL1). Also called: EHLERS-DANLOS SYNDROME, GRAVIS TYPE; EHLERS-DANLOS SYNDROME, SEVERE CLASSIC TYPE; Ehlers-Danlos syndrome, type 1; Ehlers-Danlos Syndrome, Classic Type, COL5A1-Related; EDS I. Identifiers: MedGen C0268335, MONDO:0019567, OMIM 130000.

Allele frequency attached by ClinVar (database versions not stated): gnomAD exomes below 0.00001.
gnomAD v4.1: 1 of 1,612,982 alleles (0.000062%); highest among the groups gnomAD compares: African/African-American, 0.0013%; no homozygotes.

Submission:

Labcorp Genetics (formerly Invitae), Labcorp
Classification: Uncertain significance for Ehlers-Danlos syndrome, classic type, 1. Last evaluated: 2023-01-24. Review status: criteria provided, single submitter. Criteria: Invitae Variant Classification Sherloc (09022015). Collection method: clinical testing. Allele origin: germline.
Comment: In summary, the available evidence is currently insufficient to determine the role of this variant in disease. Therefore, it has been classified as a Variant of Uncertain Significance. Algorithms developed to predict the effect of sequence changes on RNA splicing suggest that this variant may create or strengthen a splice site. This variant has not been reported in the literature in individuals affected with COL5A1-related conditions. This variant is not present in population databases (gnomAD no frequency). This sequence change falls in intron 6 of the COL5A1 gene. It does not directly change the encoded amino acid sequence of the COL5A1 protein.